The following is an entry in ClinVar:

NM_005523.6(HOXA11):c.644G>A (p.Arg215His)

Genes: HOXA11 (homeobox A11; minus strand), LOC107126281 (NUP98-HOXA11 recombination region; plus strand). Cytogenetic location: 7p15.2.
Variant type: single nucleotide variant.
Coding change: c.644G>A on transcript NM_005523.6 (MANE Select); coding-DNA position 644, G replaced by A.
Protein change: p.Arg215His; replaces arginine 215 with histidine.
Molecular consequence: missense variant.
Genome position (GRCh38, 1-based): chr7:27,184,501, C>T on the plus strand (G>A on the coding strand, the complement: HOXA11 is on the minus strand). VCF-style: chr7-27184501-C-T. GRCh37 (hg19) VCF-style: chr7-27224120-C-T.
Other names: short protein forms R215H.
Identifiers: ClinVar variation 4534066 (VCV004534066.6).

ClinVar aggregate classification (germline): Uncertain significance (1 of 4 stars; one submission).

Submission:

CeGaT Center for Human Genetics Tuebingen
Classification: Uncertain significance. Last evaluated: 2025-10-01. Review status: criteria provided, single submitter. Criteria: CeGaT Center For Human Genetics Tuebingen Variant Classification Criteria Version 2. Collection method: clinical testing. Allele origin: germline. Affected: yes. Observed: 1 variant allele.
Comment: HOXA11: PM2, PP3